The following is an entry in ClinVar:

ClinVar aggregate classification (germline): Uncertain significance (1 of 4 stars; one submission).

Submission:

Labcorp Genetics (formerly Invitae), Labcorp
Classification: Uncertain significance. Last evaluated: 2023-03-22. Review status: criteria provided, single submitter. Criteria: Invitae Variant Classification Sherloc (09022015). Collection method: clinical testing. Allele origin: germline.
Comment: This sequence change replaces glutamic acid, which is acidic and polar, with aspartic acid, which is acidic and polar, at codon 149 of the PLG protein (p.Glu149Asp). This variant is not present in population databases (gnomAD no frequency). In summary, the available evidence is currently insufficient to determine the role of this variant in disease. Therefore, it has been classified as a Variant of Uncertain Significance. An algorithm developed to predict the effect of missense changes on protein structure and function (PolyPhen-2) suggests that this variant is likely to be tolerated. This variant has not been reported in the literature in individuals affected with PLG-related conditions.

NM_000301.5(PLG):c.447G>T (p.Glu149Asp)

Gene: PLG (plasminogen; plus strand). Cytogenetic location: 6q26.
Variant type: single nucleotide variant.
Coding change: c.447G>T on transcript NM_000301.5 (MANE Select); coding-DNA position 447, G replaced by T.
Protein change: p.Glu149Asp; replaces glutamic acid 149 with aspartic acid.
Molecular consequence: missense variant.
Genome position (GRCh38, 1-based): chr6:160,713,025, G>T. VCF-style: chr6-160713025-G-T. GRCh37 (hg19) VCF-style: chr6-161134057-G-T.
Other names: short protein forms E149D.
Identifiers: ClinVar variation 2848592 (VCV002848592.3), dbSNP rs2484330483, ClinGen allele CA366361678.